The following is an entry in ClinVar:

NM_004453.4(ETFDH):c.1699G>T (p.Glu567Ter)

Gene: ETFDH (electron transfer flavoprotein dehydrogenase; plus strand). Cytogenetic location: 4q32.1.
Variant type: single nucleotide variant.
Coding change: c.1699G>T on transcript NM_004453.4 (MANE Select); coding-DNA position 1699, G replaced by T.
Protein change: p.Glu567Ter; replaces glutamic acid 567 with a stop codon.
Molecular consequence: nonsense.
Genome position (GRCh38, 1-based): chr4:158,708,372, G>T. VCF-style: chr4-158708372-G-T. GRCh37 (hg19) VCF-style: chr4-159629524-G-T.
Other names: c.1558G>T, p.Glu520Ter (NM_001281737.2); c.1516G>T, p.Glu506Ter (NM_001281738.1); short protein forms E567*, E506*, E520*.
Identifiers: ClinVar variation 1456129 (VCV001456129.6), dbSNP rs1774695889, ClinGen allele CA358566355.

ClinVar aggregate classification (germline): Pathogenic (1 of 4 stars; one submission).

Conditions:
Multiple acyl-CoA dehydrogenase deficiency (MADD). Also called: Glutaric acidemia type II; GA 2; ETHYLMALONIC-ADIPICACIDURIA; GA II; Glutaric Acidemia type 2; Glutaric aciduria, type 2. Identifiers: Orphanet 26791, MedGen C0268596, MONDO:0009282, OMIM 231680.

Submission:

Labcorp Genetics (formerly Invitae), Labcorp
Classification: Pathogenic for Multiple acyl-CoA dehydrogenase deficiency. Last evaluated: 2021-10-21. Review status: criteria provided, single submitter. Criteria: Invitae Variant Classification Sherloc (09022015). Collection method: clinical testing. Allele origin: germline.
Comment: This variant has not been reported in the literature in individuals affected with ETFDH-related conditions. This sequence change creates a premature translational stop signal (p.Glu567*) in the ETFDH gene. While this is not anticipated to result in nonsense mediated decay, it is expected to disrupt the last 51 amino acid(s) of the ETFDH protein. This variant is not present in population databases (gnomAD no frequency). This variant disrupts a region of the ETFDH protein in which other variant(s) (p.Gly611Glu) have been determined to be pathogenic (PMID: 12359134, 20138856; Invitae). This suggests that this is a clinically significant region of the protein, and that variants that disrupt it are likely to be disease-causing. For these reasons, this variant has been classified as Pathogenic.

Literature cited by the submitters: PubMed 12359134; PubMed 20138856.